The following is an entry in ClinVar:

ClinVar aggregate classification (germline): Uncertain significance (1 of 4 stars; one submission).

Submission:

Labcorp Genetics (formerly Invitae), Labcorp
Classification: Uncertain significance. Last evaluated: 2023-08-27. Review status: criteria provided, single submitter. Criteria: Invitae Variant Classification Sherloc (09022015). Collection method: clinical testing. Allele origin: germline.
Comment: This variant has not been reported in the literature in individuals affected with FOXP1-related conditions. Advanced modeling of protein sequence and biophysical properties (such as structural, functional, and spatial information, amino acid conservation, physicochemical variation, residue mobility, and thermodynamic stability) performed at Invitae indicates that this missense variant is not expected to disrupt FOXP1 protein function. In summary, the available evidence is currently insufficient to determine the role of this variant in disease. Therefore, it has been classified as a Variant of Uncertain Significance. This variant is not present in population databases (gnomAD no frequency). This sequence change replaces leucine, which is neutral and non-polar, with valine, which is neutral and non-polar, at codon 569 of the FOXP1 protein (p.Leu569Val).

NM_001349338.3(FOXP1):c.1705C>G (p.Leu569Val)

Gene: FOXP1 (forkhead box P1; minus strand). Cytogenetic location: 3p13.
Variant type: single nucleotide variant.
Coding change: c.1705C>G on transcript NM_001349338.3 (MANE Select); coding-DNA position 1705, C replaced by G.
Protein change: p.Leu569Val; replaces leucine 569 with valine.
Molecular consequence: missense variant. On other transcripts: non-coding transcript variant (2).
Genome position (GRCh38, 1-based): chr3:70,970,753, G>C on the plus strand (C>G on the coding strand, the complement: FOXP1 is on the minus strand). VCF-style: chr3-70970753-G-C. GRCh37 (hg19) VCF-style: chr3-71019904-G-C.
Other names: c.1702C>G, p.Leu568Val (NM_001244808.3, NM_001349341.3); c.1753C>G, p.Leu585Val (NM_001244810.2); c.1477C>G, p.Leu493Val (NM_001244812.3); c.1405C>G, p.Leu469Val (NM_001244813.3, NM_001244815.2, NM_001349342.3); c.1705C>G, p.Leu569Val (NM_001244814.3, NM_001244816.2, NM_001349340.3 and 1 more transcripts); c.1402C>G, p.Leu468Val (NM_001349337.2, NM_001349343.3, NM_001349344.3 and 1 more transcripts); short protein forms L469V, L569V, L468V, L493V, L568V, L585V.
Identifiers: ClinVar variation 2755245 (VCV002755245.3), dbSNP rs2545011616, ClinGen allele CA353490329.